The following is an entry in ClinVar:

NM_024408.4(NOTCH2):c.2267T>A (p.Val756Glu)

Gene: NOTCH2 (notch receptor 2; minus strand). Cytogenetic location: 1p12.
Variant type: single nucleotide variant.
Coding change: c.2267T>A on transcript NM_024408.4 (MANE Select); coding-DNA position 2267, T replaced by A.
Protein change: p.Val756Glu; replaces valine 756 with glutamic acid.
Molecular consequence: missense variant.
Genome position (GRCh38, 1-based): chr1:119,953,641, A>T on the plus strand (T>A on the coding strand, the complement: NOTCH2 is on the minus strand). VCF-style: chr1-119953641-A-T. GRCh37 (hg19) VCF-style: chr1-120496264-A-T.
Other names: c.2267T>A, p.Val756Glu (NM_001200001.2); short protein forms V756E.
Identifiers: ClinVar variation 2769901 (VCV002769901.3), dbSNP rs2526252432, ClinGen allele CA341864712.

ClinVar aggregate classification (germline): Uncertain significance (1 of 4 stars; one submission).

Conditions:
Hajdu-Cheney syndrome (HJCYS). Also called: ACROOSTEOLYSIS WITH OSTEOPOROSIS AND CHANGES IN SKULL AND MANDIBLE; Acroosteolysis dominant type; SERPENTINE FIBULA-POLYCYSTIC KIDNEY SYNDROME. Identifiers: Orphanet 955, MedGen C0917715, MONDO:0007057, OMIM 102500.

gnomAD v4.1: 1 of 1,614,166 alleles (0.000062%); no homozygotes.

Submission:

Labcorp Genetics (formerly Invitae), Labcorp
Classification: Uncertain significance for Hajdu-Cheney syndrome. Last evaluated: 2025-11-04. Review status: criteria provided, single submitter. Criteria: Invitae Variant Classification Sherloc (09022015). Collection method: clinical testing. Allele origin: germline.
Comment: This sequence change replaces valine, which is neutral and non-polar, with glutamic acid, which is acidic and polar, at codon 756 of the NOTCH2 protein (p.Val756Glu). This variant is not present in population databases (gnomAD no frequency). This variant has not been reported in the literature in individuals affected with NOTCH2-related conditions. ClinVar contains an entry for this variant (Variation ID: 2769901). Invitae Evidence Modeling of protein sequence and biophysical properties (such as structural, functional, and spatial information, amino acid conservation, physicochemical variation, residue mobility, and thermodynamic stability) indicates that this missense variant is not expected to disrupt NOTCH2 protein function with a negative predictive value of 80%. In summary, the available evidence is currently insufficient to determine the role of this variant in disease. Therefore, it has been classified as a Variant of Uncertain Significance.